The following is an entry in ClinVar:

NM_000493.4(COL10A1):c.2026C>G (p.Leu676Val)

Genes: COL10A1 (collagen type X alpha 1 chain; minus strand), NT5DC1 (5'-nucleotidase domain containing 1; plus strand). Cytogenetic location: 6q22.1.
Variant type: single nucleotide variant.
Coding change: c.2026C>G on transcript NM_000493.4 (MANE Select); coding-DNA position 2026, C replaced by G.
Protein change: p.Leu676Val; replaces leucine 676 with valine.
Molecular consequence: missense variant. On other transcripts: intron variant (1).
Genome position (GRCh38, 1-based): chr6:116,120,090, G>C on the plus strand (C>G on the coding strand, the complement: COL10A1 is on the minus strand). VCF-style: chr6-116120090-G-C. GRCh37 (hg19) VCF-style: chr6-116441253-G-C.
Other names: c.2026C>G, p.Leu676Val (NM_001424106.1, NM_001424107.1); c.529+2145G>C (NM_152729.3); c.2026C>G (NM_000493.3); short protein forms L676V.
Identifiers: ClinVar variation 1506880 (VCV001506880.7), dbSNP rs779070916, ClinGen allele CA3968072.
Genomic context (GRCh38, chr6:116,120,090, plus strand): 5'-AATGCTTTTTCTAGCACAAGATTTAGATTAGCTCTGTGTGTACTCACATTGGAGCCACTA[G>C]GAATCCTGAGAAAGAGGAGTGGACATACTCAGAGGAGTATAGGCCATTTGACTCGGCATT-3'
Protein context (NP_000484.2, residues 666-680): EYVHSSFSGF[Leu676Val]VAPM

ClinVar aggregate classification (germline): Uncertain significance. Review status: criteria provided, multiple submitters, no conflicts (2 of 4 stars). 2 submissions from 2 submitters: Uncertain significance (2). Last evaluated 2025-08-21.

Conditions:
Inborn genetic diseases. Identifiers: MedGen C0950123, MeSH D030342.

Allele frequency attached by ClinVar (database versions not stated): gnomAD exomes 0.00001 and 0.00002; ExAC 0.00002.
gnomAD v4.1: 11 of 1,614,026 alleles (0.00068%); highest among the groups gnomAD compares: Non-Finnish European, 0.00093%; no homozygotes.

Submissions (2):

Ambry Genetics
Classification: Uncertain significance for Inborn genetic diseases. Last evaluated: 2025-08-21. Review status: criteria provided, single submitter. Criteria: Ambry Variant Classification Scheme 2023. Collection method: clinical testing. Allele origin: germline.

Labcorp Genetics (formerly Invitae), Labcorp
Classification: Uncertain significance. Last evaluated: 2022-07-12. Review status: criteria provided, single submitter. Criteria: Invitae Variant Classification Sherloc (09022015). Collection method: clinical testing. Allele origin: germline.
Comment: In summary, the available evidence is currently insufficient to determine the role of this variant in disease. Therefore, it has been classified as a Variant of Uncertain Significance. Algorithms developed to predict the effect of missense changes on protein structure and function (SIFT, PolyPhen-2, Align-GVGD) all suggest that this variant is likely to be disruptive. ClinVar contains an entry for this variant (Variation ID: 1506880). This variant has not been reported in the literature in individuals affected with COL10A1-related conditions. This variant is present in population databases (rs779070916, gnomAD 0.004%). This sequence change replaces leucine, which is neutral and non-polar, with valine, which is neutral and non-polar, at codon 676 of the COL10A1 protein (p.Leu676Val).